The following is an entry in ClinVar:

ClinVar aggregate classification (germline): Likely benign (0 of 4 stars; one submission).

Conditions:
NDUFAF6-related disorder. Also called: NDUFAF6-related condition.

Allele frequency attached by ClinVar (database versions not stated): TOPMed 0.00002; ExAC 0.00023.
gnomAD v4.1: 56 of 1,380,080 alleles (0.0041%); highest among the groups gnomAD compares: Non-Finnish European, 0.0047%; no homozygotes.

Submission:

PreventionGenetics, part of Exact Sciences
Classification: Likely benign for NDUFAF6-related condition. Last evaluated: 2019-11-11. Review status: no assertion criteria provided. Collection method: clinical testing. Allele origin: germline.
Comment: This variant is classified as likely benign based on ACMG/AMP sequence variant interpretation guidelines (Richards et al. 2015 PMID: 25741868, with internal and published modifications).

NM_152416.4(NDUFAF6):c.21C>T (p.Gly7=)

Genes: NDUFAF6 (NADH:ubiquinone oxidoreductase complex assembly factor 6; plus strand), LOC113788297 (Sharpr-MPRA regulatory region 2014; plus strand). Cytogenetic location: 8q22.1.
Variant type: single nucleotide variant.
Coding change: c.21C>T on transcript NM_152416.4 (MANE Select); coding-DNA position 21, C replaced by T.
Protein change: p.Gly7=; no amino-acid change (glycine 7 retained).
Molecular consequence: synonymous variant. On other transcripts: 5 prime UTR variant (12), non-coding transcript variant (6), intron variant (7).
Genome position (GRCh38, 1-based): chr8:95,025,029, C>T. VCF-style: chr8-95025029-C-T. GRCh37 (hg19) VCF-style: chr8-96037257-C-T.
Other names: c.-260C>T (NM_001330582.2, NM_001354521.2); c.-213C>T (NM_001354517.2); c.-432C>T (NM_001354518.2); c.-428C>T (NM_001354519.2); c.-777C>T (NM_001354527.2); c.-748C>T (NM_001354528.2); c.-560C>T (NM_001354529.2); c.-662C>T (NM_001354530.2); and 8 more.
Identifiers: ClinVar variation 3045807 (VCV003045807.2), dbSNP rs764734256, ClinGen allele CA4814661.